The following is an entry in ClinVar:

NM_005245.4(FAT1):c.6312T>A (p.Thr2104=)

Gene: FAT1 (FAT atypical cadherin 1; minus strand). Cytogenetic location: 4q35.2.
Variant type: single nucleotide variant.
Coding change: c.6312T>A on transcript NM_005245.4 (MANE Select); coding-DNA position 6312, T replaced by A.
Protein change: p.Thr2104=; no amino-acid change (threonine 2104 retained).
Molecular consequence: synonymous variant.
Genome position (GRCh38, 1-based): chr4:186,620,274, A>T on the plus strand (T>A on the coding strand, the complement: FAT1 is on the minus strand). VCF-style: chr4-186620274-A-T. GRCh37 (hg19) VCF-style: chr4-187541428-A-T.
Identifiers: ClinVar variation 2655226 (VCV002655226.24), dbSNP rs2126514058, ClinGen allele CA442894865.
Genomic context (GRCh38, chr4:186,620,274, plus strand): 5'-ATGATGTTCCTTGAGGTAGTAATGCACTTCCCCGTTTCTGCCACTGTCTCTGTCTACAGC[A>T]GTGACATAGCGAATGACATGGCCCACCTCAGTGTCCACTTTAACAACGGCGTAGTAGGGA-3'
Protein context (NP_005236.2, residues 2094-2114): TEVGHVIRYV[Thr2104=]AVDRDSGRNG

ClinVar aggregate classification (germline): Likely benign (1 of 4 stars; one submission).

Submission:

CeGaT Center for Human Genetics Tuebingen
Classification: Likely benign. Last evaluated: 2022-12-01. Review status: criteria provided, single submitter. Criteria: CeGaT Center For Human Genetics Tuebingen Variant Classification Criteria Version 2. Collection method: clinical testing. Allele origin: germline. Affected: yes. Observed: 1 variant allele.
Comment: FAT1: PM2:Supporting, BP4, BP7